The following is an entry in ClinVar:

ClinVar aggregate classification (germline): Uncertain significance (1 of 4 stars; one submission).

Conditions:
Hereditary cancer-predisposing syndrome. Also called: Hereditary Cancer Syndrome; Hereditary neoplastic syndrome; Tumor predisposition; Neoplastic Syndromes, Hereditary. Identifiers: Orphanet 140162, MedGen C0027672, MeSH D009386, MONDO:0015356.

Submission:

Ambry Genetics
Classification: Uncertain significance for Hereditary cancer-predisposing syndrome. Last evaluated: 2024-09-30. Review status: criteria provided, single submitter. Criteria: Ambry Variant Classification Scheme 2023. Collection method: clinical testing. Allele origin: germline.
Comment: The p.V832L variant (also known as c.2494G>T), located in coding exon 17 of the PDGFRA gene, results from a G to T substitution at nucleotide position 2494. The valine at codon 832 is replaced by leucine, an amino acid with highly similar properties. This amino acid position is highly conserved in available vertebrate species. In addition, this alteration is predicted to be deleterious by in silico analysis. Since supporting evidence is limited at this time, the clinical significance of this alteration remains unclear.

NM_006206.6(PDGFRA):c.2494G>T (p.Val832Leu)

Gene: PDGFRA (platelet derived growth factor receptor alpha; plus strand). Cytogenetic location: 4q12.
Variant type: single nucleotide variant.
Coding change: c.2494G>T on transcript NM_006206.6 (MANE Select); coding-DNA position 2494, G replaced by T.
Protein change: p.Val832Leu; replaces valine 832 with leucine.
Molecular consequence: missense variant.
Genome position (GRCh38, 1-based): chr4:54,285,895, G>T. VCF-style: chr4-54285895-G-T. GRCh37 (hg19) VCF-style: chr4-55152062-G-T.
Other names: c.2569G>T, p.Val857Leu (NM_001347828.2); c.2494G>T, p.Val832Leu (NM_001347829.2); c.2533G>T, p.Val845Leu (NM_001347830.2); short protein forms V832L, V845L, V857L.
Identifiers: ClinVar variation 1792121 (VCV001792121.3), dbSNP rs1315803700, ClinGen allele CA356894962.
Genomic context (GRCh38, chr4:54,285,895, plus strand): 5'-ATGCAGTGTGTCCACCGTGATCTGGCTGCTCGCAACGTCCTCCTGGCACAAGGAAAAATT[G>T]TGAAGATCTGTGACTTTGGCCTGGCCAGAGACATCATGCATGATTCGAACTATGTGTCGA-3'
Protein context (NP_006197.1, residues 822-842): RNVLLAQGKI[Val832Leu]KICDFGLARD